The following is an entry in ClinVar:

ClinVar aggregate classification (germline): Uncertain significance. Review status: criteria provided, single submitter (1 of 4 stars). 2 submissions from 2 submitters: Uncertain significance (1). 1 of the submissions does not count toward it. Last evaluated 2019-04-19.

Conditions:
DCLRE1B-related disorder. Also called: DCLRE1B-related condition.
Hoyeraal-Hreidarsson syndrome (HHS). Also called: CEREBELLAR HYPOPLASIA WITH PANCYTOPENIA. Identifiers: Orphanet 3322, MedGen C1846142, MONDO:0018045.
Autosomal recessive dyskeratosis congenita. Identifiers: MedGen C3502105.

Allele frequency attached by ClinVar (database versions not stated): ExAC 0.00001; gnomAD 0.00001; gnomAD exomes 0.00001; TOPMed 0.00002.
gnomAD v4.1: 9 of 1,614,046 alleles (0.00056%); highest among the groups gnomAD compares: Non-Finnish European, 0.00076%; no homozygotes.

Submissions (2):

Labcorp Genetics (formerly Invitae), Labcorp
Classification: Uncertain significance for Hoyeraal-Hreidarsson syndrome; Autosomal recessive dyskeratosis congenita. Last evaluated: 2019-04-19. Review status: criteria provided, single submitter. Criteria: Invitae Variant Classification Sherloc (09022015). Collection method: clinical testing. Allele origin: germline.
Comment: In summary, the available evidence is currently insufficient to determine the role of this variant in disease. Therefore, it has been classified as a Variant of Uncertain Significance. Algorithms developed to predict the effect of missense changes on protein structure and function are either unavailable or do not agree on the potential impact of this missense change (SIFT: "Deleterious"; PolyPhen-2: "Probably Damaging"; Align-GVGD: "Class C0"). This variant has not been reported in the literature in individuals with DCLRE1B-related conditions. This variant is present in population databases (rs745991382, ExAC 0.001%). This sequence change replaces threonine with methionine at codon 251 of the DCLRE1B protein (p.Thr251Met). The threonine residue is highly conserved and there is a moderate physicochemical difference between threonine and methionine.

PreventionGenetics, part of Exact Sciences
Classification: Uncertain significance for DCLRE1B-related condition. Last evaluated: 2024-08-19. Review status: no assertion criteria provided. Collection method: clinical testing. Allele origin: germline. Not counted in ClinVar's aggregate classification.
Comment: The DCLRE1B c.752C>T variant is predicted to result in the amino acid substitution p.Thr251Met. To our knowledge, this variant has not been reported in the literature. This variant is reported in 0.0026% of alleles in individuals of European (Non-Finnish) descent in gnomAD. At this time, the clinical significance of this variant is uncertain due to the absence of conclusive functional and genetic evidence.

NM_022836.4(DCLRE1B):c.752C>T (p.Thr251Met)

Gene: DCLRE1B (DNA cross-link repair 1B; plus strand). Cytogenetic location: 1p13.2.
Variant type: single nucleotide variant.
Coding change: c.752C>T on transcript NM_022836.4 (MANE Select); coding-DNA position 752, C replaced by T.
Protein change: p.Thr251Met; replaces threonine 251 with methionine.
Molecular consequence: missense variant.
Genome position (GRCh38, 1-based): chr1:113,911,344, C>T. VCF-style: chr1-113911344-C-T. GRCh37 (hg19) VCF-style: chr1-114453966-C-T.
Other names: c.374C>T, p.Thr125Met (NM_001319946.2, NM_001319947.2, NM_001363691.2); c.752C>T, p.Thr251Met (NM_001363690.2); short protein forms T125M, T251M.
Identifiers: ClinVar variation 840543 (VCV000840543.10), dbSNP rs745991382, ClinGen allele CA1016459.